The following is an entry in ClinVar:

ClinVar aggregate classification (germline): Likely benign (1 of 4 stars; one submission).

Submission:

CeGaT Center for Human Genetics Tuebingen
Classification: Likely benign. Last evaluated: 2026-08-01. Review status: criteria provided, single submitter. Criteria: CeGaT Center For Human Genetics Tuebingen Variant Classification Criteria Version 2. Collection method: clinical testing. Allele origin: germline. Affected: yes. Observed: 1 variant allele.
Comment: COL6A1: PM2:Supporting, BP4, BP7

NM_001848.3(COL6A1):c.1933C>T (p.Leu645=)

Gene: COL6A1 (collagen type VI alpha 1 chain; plus strand). Cytogenetic location: 21q22.3.
Variant type: single nucleotide variant.
Coding change: c.1933C>T on transcript NM_001848.3 (MANE Select); coding-DNA position 1933, C replaced by T.
Protein change: p.Leu645=; no amino-acid change (leucine 645 retained).
Molecular consequence: synonymous variant.
Genome position (GRCh38, 1-based): chr21:46,001,363, C>T. VCF-style: chr21-46001363-C-T. GRCh37 (hg19) VCF-style: chr21-47421277-C-T.
Identifiers: ClinVar variation 5040570 (VCV005040570.1).